The following is an entry in ClinVar:

NM_006642.5(SDCCAG8):c.555G>A (p.Met185Ile)

Gene: SDCCAG8 (SHH signaling and ciliogenesis regulator SDCCAG8; plus strand). Cytogenetic location: 1q43.
Variant type: single nucleotide variant.
Coding change: c.555G>A on transcript NM_006642.5 (MANE Select); coding-DNA position 555, G replaced by A.
Protein change: p.Met185Ile; replaces methionine 185 with isoleucine.
Molecular consequence: missense variant. On other transcripts: 5 prime UTR variant (3).
Genome position (GRCh38, 1-based): chr1:243,293,099, G>A. VCF-style: chr1-243293099-G-A. GRCh37 (hg19) VCF-style: chr1-243456401-G-A.
Other names: c.-558G>A (NM_001350246.2); c.-446G>A (NM_001350247.2); c.555G>A, p.Met185Ile (NM_001350248.2); c.261G>A, p.Met87Ile (NM_001350249.2); c.-819G>A (NM_001350251.2); short protein forms M185I, M87I.
Identifiers: ClinVar variation 4991506 (VCV004991506.1).
Genomic context (GRCh38, chr1:243,293,099, plus strand): 5'-ATGTTTATTTAAAGTTGAATTCAGTTGCAGTTACTGGCACATTTTATTTTAGGGAAACAT[G>A]CACAATTCTTGGATTACAACAGGTGAAGATTCTGGGGTGGGCGAAACCTCCAAAAGACCA-3'
Protein context (NP_006633.1, residues 175-195): EQTLLDASGN[Met185Ile]HNSWITTGED

ClinVar aggregate classification (germline): Uncertain significance (1 of 4 stars; one submission).

Conditions:
SDCCAG8-related disorder. Also called: SDCCAG8-Related Disorders; SDCCAG8-related condition.

Submission:

PreventionGenetics, part of Exact Sciences
Classification: Uncertain significance for SDCCAG8-related condition. Last evaluated: 2026-06-02. Review status: criteria provided, single submitter. Criteria: ACMG Guidelines, 2015. Collection method: clinical testing. Allele origin: germline.
Comment: The SDCCAG8 c.555G>A variant is predicted to result in the amino acid substitution p.Met185Ile. To our knowledge, this variant has not been reported in the literature or in a large population database (gnomAD), indicating this variant is rare. At this time, the clinical significance of this variant is uncertain due to the absence of conclusive functional and genetic evidence.